The following is an entry in ClinVar:

NM_001267550.2(TTN):c.23245A>T (p.Lys7749Ter)

Gene: TTN (titin; minus strand). Cytogenetic location: 2q31.2.
Variant type: single nucleotide variant.
Coding change: c.23245A>T on transcript NM_001267550.2 (MANE Select); coding-DNA position 23245, A replaced by T.
Protein change: p.Lys7749Ter; replaces lysine 7749 with a stop codon.
Molecular consequence: nonsense. On other transcripts: intron variant (3).
Genome position (GRCh38, 1-based): chr2:178,720,517, T>A on the plus strand (A>T on the coding strand, the complement: TTN is on the minus strand). VCF-style: chr2-178720517-T-A. GRCh37 (hg19) VCF-style: chr2-179585244-T-A.
Other names: c.22294A>T, p.Lys7432Ter (NM_001256850.1); c.19513A>T, p.Lys6505Ter (NM_133378.4); c.13282+17565A>T (NM_003319.4); c.13858+17565A>T (NM_133437.4); c.13657+17565A>T (NM_133432.3); short protein forms K6505*, K7432*, K7749*.
Identifiers: ClinVar variation 3342541 (VCV003342541.1).

ClinVar aggregate classification (germline): Uncertain significance (1 of 4 stars; one submission).

Submission:

GeneDx
Classification: Uncertain significance. Last evaluated: 2024-03-19. Review status: criteria provided, single submitter. Criteria: GeneDx Variant Classification Process June 2021. Collection method: clinical testing. Allele origin: germline. Affected: yes.
Comment: Has not been previously published as pathogenic or benign to our knowledge; Not observed at significant frequency in large population cohorts (gnomAD); Nonsense variant predicted to result in protein truncation or nonsense mediated decay in a region of a gene for which loss of function is not a well-established mechanism of disease